The following is an entry in ClinVar:

NM_000748.3(CHRNB2):c.515A>G (p.Lys172Arg)

Gene: CHRNB2 (cholinergic receptor nicotinic beta 2 subunit; plus strand). Cytogenetic location: 1q21.3.
Variant type: single nucleotide variant.
Coding change: c.515A>G on transcript NM_000748.3 (MANE Select); coding-DNA position 515, A replaced by G.
Protein change: p.Lys172Arg; replaces lysine 172 with arginine.
Molecular consequence: missense variant.
Genome position (GRCh38, 1-based): chr1:154,571,338, A>G. VCF-style: chr1-154571338-A-G. GRCh37 (hg19) VCF-style: chr1-154543814-A-G.
Other names: short protein forms K172R.
Identifiers: ClinVar variation 585666 (VCV000585666.9), dbSNP rs1330894666, ClinGen allele CA342630208.

ClinVar aggregate classification (germline): Uncertain significance. Review status: criteria provided, multiple submitters, no conflicts (2 of 4 stars). 3 submissions from 3 submitters: Uncertain significance (3). Last evaluated 2024-10-24.

Conditions:
Familial sleep-related hypermotor epilepsy. Also called: Autosomal Dominant Sleep-Related Hypermotor (Hyperkinetic) Epilepsy. Identifiers: Orphanet 98784, MedGen C3696898, MONDO:0000030.
Autosomal dominant nocturnal frontal lobe epilepsy 3. Also called: CHRNB2-Related Nocturnal Frontal Lobe Epilepsy, Autosomal Dominant. Identifiers: Orphanet 98784, MedGen C1854335, MONDO:0011545, OMIM 605375.

Allele frequency attached by ClinVar (database versions not stated): gnomAD exomes below 0.00001 and 0.00001; gnomAD 0.00001; TOPMed 0.00001.
gnomAD v4.1: 9 of 1,614,052 alleles (0.00056%); highest among the groups gnomAD compares: Non-Finnish European, 0.00076%; no homozygotes.

Submissions (3):

Labcorp Genetics (formerly Invitae), Labcorp
Classification: Uncertain significance. Last evaluated: 2024-10-24. Review status: criteria provided, single submitter. Criteria: Invitae Variant Classification Sherloc (09022015). Collection method: clinical testing. Allele origin: germline.
Comment: This sequence change replaces lysine, which is basic and polar, with arginine, which is basic and polar, at codon 172 of the CHRNB2 protein (p.Lys172Arg). This variant is present in population databases (no rsID available, gnomAD 0.0009%). This variant has not been reported in the literature in individuals affected with CHRNB2-related conditions. ClinVar contains an entry for this variant (Variation ID: 585666). Invitae Evidence Modeling of protein sequence and biophysical properties (such as structural, functional, and spatial information, amino acid conservation, physicochemical variation, residue mobility, and thermodynamic stability) indicates that this missense variant is not expected to disrupt CHRNB2 protein function with a negative predictive value of 80%. In summary, the available evidence is currently insufficient to determine the role of this variant in disease. Therefore, it has been classified as a Variant of Uncertain Significance.

GeneDx
Classification: Uncertain significance. Last evaluated: 2020-05-01. Review status: criteria provided, single submitter. Criteria: GeneDx Variant Classification Process June 2021. Collection method: clinical testing. Allele origin: germline. Affected: yes.
Comment: Not observed at a significant frequency in large population cohorts (Lek et al., 2016); In silico analysis supports that this missense variant has a deleterious effect on protein structure/function; Has not been previously published as pathogenic or benign to our knowledge

Athena Diagnostics
Classification: Uncertain significance. Last evaluated: 2017-12-05. Review status: criteria provided, single submitter. Criteria: Athena Diagnostics Criteria. Collection method: clinical testing. Allele origin: germline.